The following is an entry in ClinVar:

NM_003803.4(MYOM1):c.3334G>T (p.Val1112Leu)

Gene: MYOM1 (myomesin 1; minus strand). Cytogenetic location: 18p11.31.
Variant type: single nucleotide variant.
Coding change: c.3334G>T on transcript NM_003803.4 (MANE Select); coding-DNA position 3334, G replaced by T.
Protein change: p.Val1112Leu; replaces valine 1112 with leucine.
Molecular consequence: missense variant.
Genome position (GRCh38, 1-based): chr18:3,112,382, C>A on the plus strand (G>T on the coding strand, the complement: MYOM1 is on the minus strand). VCF-style: chr18-3112382-C-A. GRCh37 (hg19) VCF-style: chr18-3112380-C-A.
Other names: c.3334G>T (NM_003803.3); c.3046G>T, p.Val1016Leu (NM_019856.2); short protein forms V1112L, V1016L.
Identifiers: ClinVar variation 1045692 (VCV001045692.10), dbSNP rs200102315, ClinGen allele CA295502253.
Genomic context (GRCh38, chr18:3,112,382, plus strand): 5'-GGCCAGCAAGGTCAGATGGCTTCCCAACTCCCGCCTGGTTTATGGCTCGAACACGGAACA[C>A]GTAGCTGACGCCCTCCTTGAGGCCTCGAACCTGGTAGAAGCAGGTGTAGAAGCAATGGGT-3'
Protein context (NP_003794.3, residues 1102-1122): VRGLKEGVSY[Val1112Leu]FRVRAINQAG

ClinVar aggregate classification (germline): Uncertain significance. Review status: criteria provided, multiple submitters, no conflicts (2 of 4 stars). 2 submissions from 2 submitters: Uncertain significance (2). Last evaluated 2025-08-14.

Conditions:
Hypertrophic cardiomyopathy. Also called: HYPERTROPHIC MYOCARDIOPATHY. Identifiers: Orphanet 217569, MedGen C0007194, MeSH D002312, MONDO:0005045, HP:0001639.

Allele frequency attached by ClinVar (database versions not stated): TOPMed 0.00001.
gnomAD v4.1: 1 of 1,610,342 alleles (0.000062%); highest among the groups gnomAD compares: African/African-American, 0.0013%; no homozygotes.

Submissions (2):

Labcorp Genetics (formerly Invitae), Labcorp
Classification: Uncertain significance for Hypertrophic cardiomyopathy. Last evaluated: 2025-08-14. Review status: criteria provided, single submitter. Criteria: Invitae Variant Classification Sherloc (09022015). Collection method: clinical testing. Allele origin: germline.
Comment: This sequence change replaces valine, which is neutral and non-polar, with leucine, which is neutral and non-polar, at codon 1112 of the MYOM1 protein (p.Val1112Leu). This variant is not present in population databases (gnomAD no frequency). This variant has not been reported in the literature in individuals affected with MYOM1-related conditions. ClinVar contains an entry for this variant (Variation ID: 1045692). Invitae Evidence Modeling of protein sequence and biophysical properties (such as structural, functional, and spatial information, amino acid conservation, physicochemical variation, residue mobility, and thermodynamic stability) indicates that this missense variant is not expected to disrupt MYOM1 protein function with a negative predictive value of 80%. In summary, the available evidence is currently insufficient to determine the role of this variant in disease. Therefore, it has been classified as a Variant of Uncertain Significance.

Ambry Genetics
Classification: Uncertain significance. Last evaluated: 2023-04-07. Review status: criteria provided, single submitter. Criteria: Ambry Variant Classification Scheme 2023. Collection method: clinical testing. Allele origin: germline.
Comment: The p.V1112L variant (also known as c.3334G>T), located in coding exon 21 of the MYOM1 gene, results from a G to T substitution at nucleotide position 3334. The valine at codon 1112 is replaced by leucine, an amino acid with highly similar properties. This amino acid position is conserved. In addition, this alteration is predicted to be tolerated by in silico analysis. Since supporting evidence is limited at this time, the clinical significance of this alteration remains unclear.